The following is an entry in ClinVar:

ClinVar aggregate classification (germline): Uncertain significance (1 of 4 stars; one submission).

Conditions:
Mitochondrial DNA depletion syndrome 13. Also called: FBXL4-Related Encephalomyopathic Mitochondrial DNA Depletion Syndrome; Mitochondrial DNA depletion syndrome 13 (encephalomyopathic type). Identifiers: Orphanet 369897, MedGen C3809592, MONDO:0014198, OMIM 615471.

Allele frequency attached by ClinVar (database versions not stated): gnomAD exomes below 0.00001; TOPMed below 0.00001; ExAC 0.00001; gnomAD 0.00001.
gnomAD v4.1: 2 of 1,609,638 alleles (0.00012%); highest among the groups gnomAD compares: Non-Finnish European, 0.00017%; no homozygotes.

Submission:

Wong Mito Lab, Molecular and Human Genetics, Baylor College of Medicine
Classification: Uncertain significance for Mitochondrial DNA depletion syndrome 13. Last evaluated: 2017-08-10. Review status: criteria provided, single submitter. Criteria: ACMG Guidelines, 2015. Collection method: reference population. Allele origin: germline.
Comment: The NM_012160.4:c.1317+17A>G (NP_036292.2:p.=) [GRCH38: NC_000006.12:g.98899251T>C] variant in FBXL4 gene is interpretated to be a Uncertain Significance - Insufficient Evidence based on ACMG guidelines (PMID: 25741868). This variant meets one or more of the following evidence codes reported in the ACMG-guideline. PM2:This variant is absent in key population databases. Based on this evidence code ClinGen Pathogenicity Calculator (PMID:28081714) suggested that the variant is Uncertain Significance - Insufficient Evidence.

NM_001278716.2(FBXL4):c.1317+17A>G

Gene: FBXL4 (F-box and leucine rich repeat protein 4; minus strand). Cytogenetic location: 6q16.1.
Variant type: single nucleotide variant.
Coding change: c.1317+17A>G on transcript NM_001278716.2 (MANE Select); 17 bases into the intron after coding-DNA position 1317, A replaced by G.
Molecular consequence: intron variant. On other transcripts: non-coding transcript variant (1).
Genome position (GRCh38, 1-based): chr6:98,899,251, T>C on the plus strand (A>G on the coding strand, the complement: FBXL4 is on the minus strand). VCF-style: chr6-98899251-T-C. GRCh37 (hg19) VCF-style: chr6-99347127-T-C.
Other names: c.1317+17A>G (NM_012160.5).
Identifiers: ClinVar variation 437729 (VCV000437729.1), dbSNP rs768115130, ClinGen allele CA3933485.